The following is an entry in ClinVar:

NM_000059.4(BRCA2):c.5150_5226delinsTACTTAATACTTATTAAGTATTA (p.Glu1717_Asn1742delinsValLeuAsnThrTyrTer)

Gene: BRCA2 (BRCA2 DNA repair associated; plus strand). Cytogenetic location: 13q13.1.
Variant type: Indel.
Coding change: c.5150_5226delinsTACTTAATACTTATTAAGTATTA on transcript NM_000059.4 (MANE Select); coding-DNA positions 5150 to 5226, the reference bases replaced by TACTTAATACTTATTAAGTATTA.
Protein change: p.Glu1717_Asn1742delinsValLeuAsnThrTyrTer.
Molecular consequence: nonsense.
Genome position (GRCh38, 1-based): chr13:32,339,505-32,339,581, 77 bases replaced. GRCh37 (hg19): chr13:32,913,642-32,913,718.
Identifiers: ClinVar variation 1073855 (VCV001073855.11), dbSNP rs2137514445, ClinGen allele CA2499222187.

ClinVar aggregate classification (germline): Pathogenic. Review status: criteria provided, multiple submitters, no conflicts (2 of 4 stars). 2 submissions from 2 submitters: Pathogenic (2). Last evaluated 2025-02-25.

Conditions:
Hereditary breast ovarian cancer syndrome. Also called: Breast and ovarian cancer; Hereditary breast and ovarian cancer syndrome (HBOC); Hereditary breast and/or ovarian cancer syndrome; Hereditary breast and ovarian cancer; Hereditary breast and ovarian cancer syndrome; BRCA1- and BRCA2-Associated Hereditary Breast and Ovarian Cancer. Identifiers: Orphanet 145, MedGen C0677776, MeSH D061325, MONDO:0003582. Disease mechanism: loss of function.
Breast-ovarian cancer, familial, susceptibility to, 2 (BROVCA2). Also called: BRCA2 Hereditary Breast and Ovarian Cancer. Identifiers: Orphanet 145, MedGen C2675520, MONDO:0012933, OMIM 612555. Disease mechanism: loss of function.

Submissions (2):

Labcorp Genetics (formerly Invitae), Labcorp
Classification: Pathogenic for Hereditary breast ovarian cancer syndrome. Last evaluated: 2025-02-25. Review status: criteria provided, single submitter. Criteria: Invitae Variant Classification Sherloc (09022015). Collection method: clinical testing. Allele origin: germline.
Comment: This sequence change creates a premature translational stop signal (p.Glu1717_Asn1742delinsValLeuAsnThrTyr*) in the BRCA2 gene. It is expected to result in an absent or disrupted protein product. Loss-of-function variants in BRCA2 are known to be pathogenic (PMID: 20104584). This variant has not been reported in the literature in individuals affected with BRCA2-related conditions. This variant is also known as c.5378del77ins23. For these reasons, this variant has been classified as Pathogenic.

Myriad Genetics, Inc.
Classification: Pathogenic for Breast-ovarian cancer, familial, susceptibility to, 2. Last evaluated: 2023-06-22. Review status: criteria provided, single submitter. Criteria: Myriad Autosomal Dominant, Autosomal Recessive and X-Linked Classification Criteria (2023). Collection method: clinical testing. Allele origin: unknown.
Comment: This variant is considered pathogenic. This variant creates a frameshift predicted to result in premature protein truncation.

Literature cited by the submitters: PubMed 20104584 (cited by Labcorp Genetics (formerly Invitae), Labcorp).